The following is an entry in ClinVar:

ClinVar aggregate classification (germline): Uncertain significance. Review status: criteria provided, single submitter (1 of 4 stars). 2 submissions from 2 submitters: Uncertain significance (1). 1 of the submissions does not count toward it. Last evaluated 2021-08-24.

Conditions:
Glycogen storage disease type III (GSD3). Also called: Cori disease; FORBES DISEASE. Identifiers: Orphanet 366, MedGen C0017922, MONDO:0009291, OMIM 232400.

Allele frequency attached by ClinVar (database versions not stated): ExAC 0.00001; gnomAD exomes 0.00001 and 0.00002; ESP Exome Variant Server 0.00008; TOPMed 0.00012; gnomAD 0.00013 and 0.00014.

Submissions (2):

Labcorp Genetics (formerly Invitae), Labcorp
Classification: Uncertain significance for Glycogen storage disease type III. Last evaluated: 2021-08-24. Review status: criteria provided, single submitter. Criteria: Invitae Variant Classification Sherloc (09022015). Collection method: clinical testing. Allele origin: germline.
Comment: This sequence change replaces isoleucine with valine at codon 616 of the AGL protein (p.Ile616Val). The isoleucine residue is moderately conserved and there is a small physicochemical difference between isoleucine and valine. This variant is present in population databases (rs371115206, ExAC 0.006%). This variant has not been reported in the literature in individuals affected with AGL-related conditions. Algorithms developed to predict the effect of missense changes on protein structure and function (SIFT, PolyPhen-2, Align-GVGD) all suggest that this variant is likely to be tolerated. In summary, the available evidence is currently insufficient to determine the role of this variant in disease. Therefore, it has been classified as a Variant of Uncertain Significance.

Natera, Inc.
Classification: Uncertain significance for Glycogen storage disease type III. Last evaluated: 2021-05-01. Review status: no assertion criteria provided. Collection method: clinical testing. Allele origin: germline. Not counted in ClinVar's aggregate classification.

NM_000642.3(AGL):c.1846A>G (p.Ile616Val)

Gene: AGL (amylo-alpha-1,6-glucosidase and 4-alpha-glucanotransferase; plus strand). Cytogenetic location: 1p21.2.
Variant type: single nucleotide variant.
Coding change: c.1846A>G on transcript NM_000642.3 (MANE Select); coding-DNA position 1846, A replaced by G.
Protein change: p.Ile616Val; replaces isoleucine 616 with valine.
Molecular consequence: missense variant.
Genome position (GRCh38, 1-based): chr1:99,880,742, A>G. VCF-style: chr1-99880742-A-G. GRCh37 (hg19) VCF-style: chr1-100346298-A-G.
Other names: c.1846A>G, p.Ile616Val (NM_000028.3, NM_000643.3, NM_000644.3 and 2 more transcripts); c.1798A>G, p.Ile600Val (NM_000646.3); c.1645A>G, p.Ile549Val (NM_001425327.1); c.1642A>G, p.Ile548Val (NM_001425328.1, NM_001425329.1); c.1468A>G, p.Ile490Val (NM_001425332.1); short protein forms I600V, I616V, I490V, I548V, I549V.
Identifiers: ClinVar variation 638971 (VCV000638971.10), dbSNP rs371115206, ClinGen allele CA966604.